The following is an entry in ClinVar:

ClinVar aggregate classification (germline): Uncertain significance (1 of 4 stars; one submission).

Submission:

Ambry Genetics
Classification: Uncertain significance. Last evaluated: 2025-09-18. Review status: criteria provided, single submitter. Criteria: Ambry Variant Classification Scheme 2023. Collection method: clinical testing. Allele origin: germline.
Comment: The p.S615N variant (also known as c.1844G>A) is located in coding exon 12 of the MYOM1 gene. The serine at codon 615 is replaced by asparagine, an amino acid with highly similar properties. This change occurs in the first base pair of coding exon 12. This amino acid position is conserved. In addition, this alteration is predicted to be tolerated by in silico analysis. Based on the available evidence, the clinical significance of this variant remains unclear.

NM_003803.4(MYOM1):c.1844G>A (p.Ser615Asn)

Gene: MYOM1 (myomesin 1; minus strand). Cytogenetic location: 18p11.31.
Variant type: single nucleotide variant.
Coding change: c.1844G>A on transcript NM_003803.4 (MANE Select); coding-DNA position 1844, G replaced by A.
Protein change: p.Ser615Asn; replaces serine 615 with asparagine.
Molecular consequence: missense variant.
Genome position (GRCh38, 1-based): chr18:3,149,201, C>T on the plus strand (G>A on the coding strand, the complement: MYOM1 is on the minus strand). VCF-style: chr18-3149201-C-T. GRCh37 (hg19) VCF-style: chr18-3149199-C-T.
Other names: c.1844G>A, p.Ser615Asn (NM_019856.2); short protein forms S615N.
Identifiers: ClinVar variation 4555374 (VCV004555374.1).